The following is an entry in ClinVar:

ClinVar aggregate classification (germline): Uncertain significance (1 of 4 stars; one submission).

gnomAD v4.1: 4 of 1,577,050 alleles (0.00025%); highest among the groups gnomAD compares: Non-Finnish European, 0.00034%; no homozygotes.

Submission:

Labcorp Genetics (formerly Invitae), Labcorp
Classification: Uncertain significance. Last evaluated: 2024-08-02. Review status: criteria provided, single submitter. Criteria: Invitae Variant Classification Sherloc (09022015). Collection method: clinical testing. Allele origin: germline.
Comment: This sequence change replaces alanine, which is neutral and non-polar, with threonine, which is neutral and polar, at codon 26 of the UNC119 protein (p.Ala26Thr). The frequency data for this variant in the population databases is considered unreliable, as metrics indicate poor data quality at this position in the gnomAD database. This variant has not been reported in the literature in individuals affected with UNC119-related conditions. An algorithm developed to predict the effect of missense changes on protein structure and function (PolyPhen-2) suggests that this variant is likely to be tolerated. In summary, the available evidence is currently insufficient to determine the role of this variant in disease. Therefore, it has been classified as a Variant of Uncertain Significance.

NM_005148.4(UNC119):c.76G>A (p.Ala26Thr)

Genes: UNC119 (unc-119 lipid binding chaperone; minus strand), LOC130060555 (ATAC-STARR-seq lymphoblastoid silent region 8343; plus strand). Cytogenetic location: 17q11.2.
Variant type: single nucleotide variant.
Coding change: c.76G>A on transcript NM_005148.4 (MANE Select); coding-DNA position 76, G replaced by A.
Protein change: p.Ala26Thr; replaces alanine 26 with threonine.
Molecular consequence: missense variant. On other transcripts: 5 prime UTR variant (1).
Genome position (GRCh38, 1-based): chr17:28,552,482, C>T on the plus strand (G>A on the coding strand, the complement: UNC119 is on the minus strand). VCF-style: chr17-28552482-C-T. GRCh37 (hg19) VCF-style: chr17-26879500-C-T.
Other names: c.-238G>A (NM_001330166.2); c.76G>A, p.Ala26Thr (NM_054035.2); short protein forms A26T.
Identifiers: ClinVar variation 3689011 (VCV003689011.2).